The following is an entry in ClinVar:

ClinVar aggregate classification (germline): Uncertain significance (1 of 4 stars; one submission).

Conditions:
Inborn genetic diseases. Identifiers: MedGen C0950123, MeSH D030342.

Submission:

Ambry Genetics
Classification: Uncertain significance for Inborn genetic diseases. Last evaluated: 2022-10-04. Review status: criteria provided, single submitter. Criteria: Ambry Variant Classification Scheme 2023. Collection method: clinical testing. Allele origin: germline.
Comment: The p.G946R variant (also known as c.2836G>C), located in coding exon 19 of the PIK3CA gene, results from a G to C substitution at nucleotide position 2836. The glycine at codon 946 is replaced by arginine, an amino acid with dissimilar properties. This amino acid position is conserved. In addition, this alteration is predicted to be deleterious by in silico analysis. Since supporting evidence is limited at this time, the clinical significance of this alteration remains unclear.

NM_006218.4(PIK3CA):c.2836G>C (p.Gly946Arg)

Gene: PIK3CA (phosphatidylinositol-4,5-bisphosphate 3-kinase catalytic subunit alpha; plus strand). Cytogenetic location: 3q26.32.
Variant type: single nucleotide variant.
Coding change: c.2836G>C on transcript NM_006218.4 (MANE Select); coding-DNA position 2836, G replaced by C.
Protein change: p.Gly946Arg; replaces glycine 946 with arginine.
Molecular consequence: missense variant.
Genome position (GRCh38, 1-based): chr3:179,230,276, G>C. VCF-style: chr3-179230276-G-C. GRCh37 (hg19) VCF-style: chr3-178948064-G-C.
Other names: short protein forms G946R.
Identifiers: ClinVar variation 1796649 (VCV001796649.2), dbSNP rs1725180558, ClinGen allele CA355281044.